The following is an entry in ClinVar:

ClinVar aggregate classification (germline): Uncertain significance (1 of 4 stars; one submission).

Submission:

GeneDx
Classification: Uncertain significance. Last evaluated: 2024-05-17. Review status: criteria provided, single submitter. Criteria: GeneDx Variant Classification Process June 2021. Collection method: clinical testing. Allele origin: germline. Affected: yes.
Comment: Not observed at significant frequency in large population cohorts (gnomAD); In silico analysis indicates that this missense variant does not alter protein structure/function; Has not been previously published as pathogenic or benign to our knowledge

NM_001374828.1(ARID1B):c.1616A>T (p.Gln539Leu)

Gene: ARID1B (AT-rich interaction domain 1B; plus strand). Cytogenetic location: 6q25.3.
Variant type: single nucleotide variant.
Coding change: c.1616A>T on transcript NM_001374828.1 (MANE Select); coding-DNA position 1616, A replaced by T.
Protein change: p.Gln539Leu; replaces glutamine 539 with leucine.
Molecular consequence: missense variant.
Genome position (GRCh38, 1-based): chr6:156,779,296, A>T. VCF-style: chr6-156779296-A-T. GRCh37 (hg19) VCF-style: chr6-157100430-A-T.
Other names: c.1616A>T, p.Gln539Leu (NM_001371656.1, NM_001374820.1, NM_017519.3); c.1367A>T (NM_020732.3); short protein forms Q539L.
Identifiers: ClinVar variation 3378016 (VCV003378016.1).